The following is an entry in ClinVar:

ClinVar aggregate classification (germline): Uncertain significance. Review status: criteria provided, multiple submitters, no conflicts (2 of 4 stars). 2 submissions from 2 submitters: Uncertain significance (2). Last evaluated 2024-10-25.

Allele frequency attached by ClinVar (database versions not stated): ExAC 0.00001; gnomAD 0.00001; gnomAD exomes 0.00001; TOPMed 0.00001.

Submissions (2):

Labcorp Genetics (formerly Invitae), Labcorp
Classification: Uncertain significance. Last evaluated: 2024-10-25. Review status: criteria provided, single submitter. Criteria: Invitae Variant Classification Sherloc (09022015). Collection method: clinical testing. Allele origin: germline.
Comment: This sequence change replaces glutamic acid, which is acidic and polar, with alanine, which is neutral and non-polar, at codon 233 of the CLCN2 protein (p.Glu233Ala). This variant is present in population databases (rs763234659, gnomAD 0.002%). This variant has not been reported in the literature in individuals affected with CLCN2-related conditions. ClinVar contains an entry for this variant (Variation ID: 1356537). Invitae Evidence Modeling of protein sequence and biophysical properties (such as structural, functional, and spatial information, amino acid conservation, physicochemical variation, residue mobility, and thermodynamic stability) indicates that this missense variant is not expected to disrupt CLCN2 protein function with a negative predictive value of 80%. In summary, the available evidence is currently insufficient to determine the role of this variant in disease. Therefore, it has been classified as a Variant of Uncertain Significance.

CeGaT Center for Human Genetics Tuebingen
Classification: Uncertain significance. Last evaluated: 2022-03-01. Review status: criteria provided, single submitter. Criteria: CeGaT Center For Human Genetics Tuebingen Variant Classification Criteria Version 2. Collection method: clinical testing. Allele origin: germline. Affected: yes. Observed: 1 variant allele.
Comment: CLCN2: PM2

NM_004366.6(CLCN2):c.698A>C (p.Glu233Ala)

Gene: CLCN2 (chloride voltage-gated channel 2; minus strand). Cytogenetic location: 3q27.1.
Variant type: single nucleotide variant.
Coding change: c.698A>C on transcript NM_004366.6 (MANE Select); coding-DNA position 698, A replaced by C.
Protein change: p.Glu233Ala; replaces glutamic acid 233 with alanine.
Molecular consequence: missense variant.
Genome position (GRCh38, 1-based): chr3:184,357,694, T>G on the plus strand (A>C on the coding strand, the complement: CLCN2 is on the minus strand). VCF-style: chr3-184357694-T-G. GRCh37 (hg19) VCF-style: chr3-184075482-T-G.
Other names: c.698A>C, p.Glu233Ala (NM_001171087.3, NM_001171089.3); c.566A>C, p.Glu189Ala (NM_001171088.3); short protein forms E189A, E233A.
Identifiers: ClinVar variation 1356537 (VCV001356537.38), dbSNP rs763234659, ClinGen allele CA2734390.